The following is an entry in ClinVar:

NM_001040108.2(MLH3):c.3536A>G (p.Tyr1179Cys)

Gene: MLH3 (mutL homolog 3; minus strand). Cytogenetic location: 14q24.3.
Variant type: single nucleotide variant.
Coding change: c.3536A>G on transcript NM_001040108.2 (MANE Select); coding-DNA position 3536, A replaced by G.
Protein change: p.Tyr1179Cys; replaces tyrosine 1179 with cysteine.
Molecular consequence: missense variant.
Genome position (GRCh38, 1-based): chr14:75,039,945, T>C on the plus strand (A>G on the coding strand, the complement: MLH3 is on the minus strand). VCF-style: chr14-75039945-T-C. GRCh37 (hg19) VCF-style: chr14-75506648-T-C.
Other names: c.3536A>G, p.Tyr1179Cys (NM_014381.3); short protein forms Y1179C.
Identifiers: ClinVar variation 1408116 (VCV001408116.11), dbSNP rs1891720886, ClinGen allele CA390428538.

ClinVar aggregate classification (germline): Uncertain significance. Review status: criteria provided, multiple submitters, no conflicts (2 of 4 stars). 2 submissions from 2 submitters: Uncertain significance (2). Last evaluated 2024-07-29.

Conditions:
Colorectal cancer, hereditary nonpolyposis, type 7. Identifiers: Orphanet 144, MedGen C1858380, MONDO:0013725, OMIM 614385.

Allele frequency attached by ClinVar (database versions not stated): gnomAD exomes below 0.00001.
gnomAD v4.1: 2 of 1,587,608 alleles (0.00013%); highest among the groups gnomAD compares: Non-Finnish European, 0.00017%; no homozygotes.

Submissions (2):

Ambry Genetics
Classification: Uncertain significance. Last evaluated: 2024-07-29. Review status: criteria provided, single submitter. Criteria: Ambry Variant Classification Scheme 2023. Collection method: clinical testing. Allele origin: germline.
Comment: The p.Y1179C variant (also known as c.3536A>G), located in coding exon 4 of the MLH3 gene, results from an A to G substitution at nucleotide position 3536. The tyrosine at codon 1179 is replaced by cysteine, an amino acid with highly dissimilar properties. This amino acid position is conserved. In addition, this alteration is predicted to be deleterious by in silico analysis. Since supporting evidence is limited at this time, the clinical significance of this alteration remains unclear.

Labcorp Genetics (formerly Invitae), Labcorp
Classification: Uncertain significance for Colorectal cancer, hereditary nonpolyposis, type 7. Last evaluated: 2021-06-10. Review status: criteria provided, single submitter. Criteria: Invitae Variant Classification Sherloc (09022015). Collection method: clinical testing. Allele origin: germline.
Comment: This sequence change replaces tyrosine with cysteine at codon 1179 of the MLH3 protein (p.Tyr1179Cys). The tyrosine residue is highly conserved and there is a large physicochemical difference between tyrosine and cysteine. In summary, the available evidence is currently insufficient to determine the role of this variant in disease. Therefore, it has been classified as a Variant of Uncertain Significance. Algorithms developed to predict the effect of missense changes on protein structure and function (SIFT, PolyPhen-2, Align-GVGD) all suggest that this variant is likely to be disruptive, but these predictions have not been confirmed by published functional studies and their clinical significance is uncertain. This variant has not been reported in the literature in individuals with MLH3-related conditions. This variant is not present in population databases (ExAC no frequency).